The following is an entry in ClinVar:

NM_001080421.3(UNC13A):c.4366C>G (p.Pro1456Ala)

Gene: UNC13A (unc-13 homolog A; minus strand). Cytogenetic location: 19p13.11.
Variant type: single nucleotide variant.
Coding change: c.4366C>G on transcript NM_001080421.3 (MANE Select); coding-DNA position 4366, C replaced by G.
Protein change: p.Pro1456Ala; replaces proline 1456 with alanine.
Molecular consequence: missense variant.
Genome position (GRCh38, 1-based): chr19:17,618,465, G>C on the plus strand (C>G on the coding strand, the complement: UNC13A is on the minus strand). VCF-style: chr19-17618465-G-C. GRCh37 (hg19) VCF-style: chr19-17729274-G-C.
Other names: c.4354C>G, p.Pro1452Ala (NM_001387021.1); c.4351C>G, p.Pro1451Ala (NM_001387022.1); c.4285C>G, p.Pro1429Ala (NM_001387023.1); short protein forms P1452A, P1429A, P1456A, P1451A.
Identifiers: ClinVar variation 4978522 (VCV004978522.1).

ClinVar aggregate classification (germline): Likely benign (1 of 4 stars; one submission).

Conditions:
UNC13A-related disorder. Also called: UNC13A-related condition.

gnomAD v4.1: 106 of 1,593,688 alleles (0.0067%); highest among the groups gnomAD compares: Middle Eastern, 0.017%; no homozygotes.

Submission:

PreventionGenetics, part of Exact Sciences
Classification: Likely benign for UNC13A-related condition. Last evaluated: 2026-02-10. Review status: criteria provided, single submitter. Criteria: ACMG Guidelines, 2015. Collection method: clinical testing. Allele origin: germline.
Comment: This variant is classified as likely benign based on ACMG/AMP sequence variant interpretation guidelines (Richards et al. 2015 PMID: 25741868, with internal and published modifications).